The following is an entry in ClinVar:

NM_006017.3(PROM1):c.1435G>A (p.Gly479Arg)

Gene: PROM1 (prominin 1; minus strand). Cytogenetic location: 4p15.32.
Variant type: single nucleotide variant.
Coding change: c.1435G>A on transcript NM_006017.3 (MANE Select); coding-DNA position 1435, G replaced by A.
Protein change: p.Gly479Arg; replaces glycine 479 with arginine.
Molecular consequence: missense variant.
Genome position (GRCh38, 1-based): chr4:16,006,557, C>T on the plus strand (G>A on the coding strand, the complement: PROM1 is on the minus strand). VCF-style: chr4-16006557-C-T. GRCh37 (hg19) VCF-style: chr4-16008180-C-T.
Other names: c.1408G>A, p.Gly470Arg (NM_001145847.2, NM_001145848.2, NM_001145851.2 and 4 more transcripts); c.1435G>A, p.Gly479Arg (NM_001145849.2, NM_001145850.2); short protein forms G470R, G479R.
Identifiers: ClinVar variation 1057303 (VCV001057303.32), dbSNP rs774504919, ClinGen allele CA2866772.

ClinVar aggregate classification (germline): Uncertain significance. Review status: criteria provided, multiple submitters, no conflicts (2 of 4 stars). 3 submissions from 3 submitters: Uncertain significance (3). Last evaluated 2025-05-19.

Conditions:
PROM1-related disorder. Also called: PROM1-related disorders; PROM1-related condition.

Allele frequency attached by ClinVar (database versions not stated): gnomAD exomes below 0.00001 and 0.00001; TOPMed 0.00001; ExAC 0.00002.
gnomAD v4.1: 7 of 1,596,600 alleles (0.00044%); highest among the groups gnomAD compares: East Asian, 0.0023%; no homozygotes.

Submissions (3):

3billion
Classification: Uncertain significance for PROM1-related disorder. Last evaluated: 2025-05-19. Review status: criteria provided, single submitter. Criteria: ACMG Guidelines, 2015. Collection method: clinical testing. Allele origin: germline. Affected: yes.
Comment: The variant is observed at an extremely low frequency in the gnomAD v4.1.0 dataset (total allele frequency: <0.001%). Predicted Consequence/Location: Missense variant. The majority of the known disease-causing variants of this gene are variants expected to result in premature termination of the protein. In silico tool predictions suggest damaging effect of the variant on gene or gene product [REVEL: 0.77 (>=0.6, sensitivity 0.68 and specificity 0.92); 3Cnet: 0.91 (> 0.75, sensitivity 0.96 and precision 0.92)]. The same nucleotide change resulting in the same amino acid change has been previously reported to be associated with PROM1-related disorder (PMID: 31129250). However, the evidence of pathogenicity is insufficient at this time. Therefore, this variant is classified as VUS according to the recommendation of ACMG/AMP guideline.

Labcorp Genetics (formerly Invitae), Labcorp
Classification: Uncertain significance. Last evaluated: 2025-04-17. Review status: criteria provided, single submitter. Criteria: Invitae Variant Classification Sherloc (09022015). Collection method: clinical testing. Allele origin: germline.
Comment: This sequence change replaces glycine, which is neutral and non-polar, with arginine, which is basic and polar, at codon 479 of the PROM1 protein (p.Gly479Arg). The frequency data for this variant in the population databases is considered unreliable, as metrics indicate poor data quality at this position in the gnomAD database. This missense change has been observed in individual(s) with autosomal recessive retinal dystrophy (PMID: 31129250). ClinVar contains an entry for this variant (Variation ID: 1057303). Invitae Evidence Modeling of protein sequence and biophysical properties (such as structural, functional, and spatial information, amino acid conservation, physicochemical variation, residue mobility, and thermodynamic stability) indicates that this missense variant is expected to disrupt PROM1 protein function with a positive predictive value of 80%. In summary, the available evidence is currently insufficient to determine the role of this variant in disease. Therefore, it has been classified as a Variant of Uncertain Significance.

CeGaT Center for Human Genetics Tuebingen
Classification: Uncertain significance. Last evaluated: 2024-05-01. Review status: criteria provided, single submitter. Criteria: CeGaT Center For Human Genetics Tuebingen Variant Classification Criteria Version 2. Collection method: clinical testing. Allele origin: germline. Affected: yes. Observed: 2 variant alleles.
Comment: PROM1: PM2, PM3

Literature cited by the submitters: PubMed 31129250 (cited by 3billion and Labcorp Genetics (formerly Invitae), Labcorp).